The following is an entry in ClinVar:

ClinVar aggregate classification (germline): Uncertain significance (1 of 4 stars; one submission).

Conditions:
Congenital disorder of glycosylation (CDG). Also called: Congenital disorders of glycosylation; Carbohydrate-deficient glycoprotein syndrome. Identifiers: Orphanet 137, MedGen C0282577, MONDO:0015286.

Allele frequency attached by ClinVar (database versions not stated): gnomAD 0.00001; TOPMed 0.00001; ExAC 0.00003; gnomAD exomes 0.00003 and 0.00005.
gnomAD v4.1: 17 of 1,614,028 alleles (0.0011%); highest among the groups gnomAD compares: Admixed American, 0.025%; no homozygotes.

Submission:

Labcorp Genetics (formerly Invitae), Labcorp
Classification: Uncertain significance for Congenital disorder of glycosylation. Last evaluated: 2020-12-30. Review status: criteria provided, single submitter. Criteria: Invitae Variant Classification Sherloc (09022015). Collection method: clinical testing. Allele origin: germline.
Comment: Algorithms developed to predict the effect of missense changes on protein structure and function are either unavailable or do not agree on the potential impact of this missense change (SIFT: "Not Available"; PolyPhen-2: "Benign"; Align-GVGD: "Not Available"). This sequence change replaces alanine with threonine at codon 22 of the RPN2 protein (p.Ala22Thr). The alanine residue is moderately conserved and there is a small physicochemical difference between alanine and threonine. This variant is present in population databases (rs766325221, ExAC 0.03%). This variant has not been reported in the literature in individuals with RPN2-related conditions. In summary, the available evidence is currently insufficient to determine the role of this variant in disease. Therefore, it has been classified as a Variant of Uncertain Significance.

NM_002951.5(RPN2):c.64G>A (p.Ala22Thr)

Gene: RPN2 (ribophorin II; plus strand). Cytogenetic location: 20q11.23.
Variant type: single nucleotide variant.
Coding change: c.64G>A on transcript NM_002951.5 (MANE Select); coding-DNA position 64, G replaced by A.
Protein change: p.Ala22Thr; replaces alanine 22 with threonine.
Molecular consequence: missense variant. On other transcripts: 5 prime UTR variant (1).
Genome position (GRCh38, 1-based): chr20:37,184,230, G>A. VCF-style: chr20-37184230-G-A. GRCh37 (hg19) VCF-style: chr20-35812633-G-A.
Other names: c.64G>A, p.Ala22Thr (NM_001135771.3, NM_001324299.2, NM_001324301.2 and 4 more transcripts); c.-136G>A (NM_001324306.2); short protein forms A22T.
Identifiers: ClinVar variation 1401248 (VCV001401248.6), dbSNP rs766325221, ClinGen allele CA9846738.